The following is an entry in ClinVar:

ClinVar aggregate classification (germline): Uncertain significance (1 of 4 stars; one submission).

Conditions:
Cardiovascular phenotype. Identifiers: MedGen CN230736.

Submission:

Ambry Genetics
Classification: Uncertain significance for Cardiovascular phenotype. Last evaluated: 2026-08-24. Review status: criteria provided, single submitter. Criteria: Ambry Variant Classification Scheme 2023. Collection method: clinical testing. Allele origin: germline.
Comment: The p.L2247F variant (also known as c.6739C>T), located in coding exon 29 of the AKAP9 gene, results from a C to T substitution at nucleotide position 6739. The leucine at codon 2247 is replaced by phenylalanine, an amino acid with highly similar properties. This amino acid position is conserved. In addition, this alteration is predicted to be tolerated by in silico analysis. Based on the available evidence, the clinical significance of this variant remains unclear.

NM_005751.5(AKAP9):c.6739C>T (p.Leu2247Phe)

Gene: AKAP9 (A-kinase anchoring protein 9; plus strand). Cytogenetic location: 7q21.2.
Variant type: single nucleotide variant.
Coding change: c.6739C>T on transcript NM_005751.5 (MANE Select); coding-DNA position 6739, C replaced by T.
Protein change: p.Leu2247Phe; replaces leucine 2247 with phenylalanine.
Molecular consequence: missense variant.
Genome position (GRCh38, 1-based): chr7:92,076,981, C>T. VCF-style: chr7-92076981-C-T. GRCh37 (hg19) VCF-style: chr7-91706295-C-T.
Other names: c.1384C>T, p.Leu462Phe (NM_001379277.1); c.6715C>T, p.Leu2239Phe (NM_147185.3); short protein forms L2247F, L462F, L2239F.
Identifiers: ClinVar variation 5034167 (VCV005034167.1).
Genomic context (GRCh38, chr7:92,076,981, plus strand): 5'-CAACAATTACATATGCAATTAGAAATACAGAAAAAGGAATCTACTACCCGCCTACAAGAA[C>T]TTGAACAGGAAAACAAATTATTTAAGGTAATTAGTTAAGAAAAACTTTTATCTGTAAATA-3'
Protein context (NP_005742.4, residues 2237-2257): KKESTTRLQE[Leu2247Phe]EQENKLFKDD